The following is an entry in ClinVar:

NM_205836.3(FBXO38):c.3047A>G (p.Gln1016Arg)

Gene: FBXO38 (F-box protein 38; plus strand). Cytogenetic location: 5q32.
Variant type: single nucleotide variant.
Coding change: c.3047A>G on transcript NM_205836.3 (MANE Select); coding-DNA position 3047, A replaced by G.
Protein change: p.Gln1016Arg; replaces glutamine 1016 with arginine.
Molecular consequence: missense variant.
Genome position (GRCh38, 1-based): chr5:148,439,669, A>G. VCF-style: chr5-148439669-A-G. GRCh37 (hg19) VCF-style: chr5-147819232-A-G.
Other names: c.2312A>G, p.Gln771Arg (NM_001271723.2); c.2822A>G, p.Gln941Arg (NM_030793.5); short protein forms Q1016R, Q771R, Q941R.
Identifiers: ClinVar variation 655168 (VCV000655168.10), dbSNP rs1020465041, ClinGen allele CA128956178.

ClinVar aggregate classification (germline): Uncertain significance (1 of 4 stars; one submission).

Conditions:
Distal hereditary motor neuropathy type 2. Identifiers: Orphanet 139525, MedGen C3711384, MeSH C580044, MONDO:0015352.

Allele frequency attached by ClinVar (database versions not stated): gnomAD 0.00001 and 0.00002; TOPMed 0.00001; gnomAD exomes below 0.00001.
gnomAD v4.1: 4 of 1,604,980 alleles (0.00025%); highest among the groups gnomAD compares: African/African-American, 0.004%; no homozygotes.

Submission:

Labcorp Genetics (formerly Invitae), Labcorp
Classification: Uncertain significance for Distal hereditary motor neuropathy type 2. Last evaluated: 2024-01-24. Review status: criteria provided, single submitter. Criteria: Invitae Variant Classification Sherloc (09022015). Collection method: clinical testing. Allele origin: germline.
Comment: This sequence change replaces glutamine, which is neutral and polar, with arginine, which is basic and polar, at codon 941 of the FBXO38 protein (p.Gln941Arg). This variant is not present in population databases (gnomAD no frequency). This variant has not been reported in the literature in individuals affected with FBXO38-related conditions. ClinVar contains an entry for this variant (Variation ID: 655168). An algorithm developed to predict the effect of missense changes on protein structure and function (PolyPhen-2) suggests that this variant is likely to be disruptive. In summary, the available evidence is currently insufficient to determine the role of this variant in disease. Therefore, it has been classified as a Variant of Uncertain Significance.